The following is an entry in ClinVar:

ClinVar aggregate classification (germline): Uncertain significance. Review status: criteria provided, multiple submitters, no conflicts (2 of 4 stars). 2 submissions from 2 submitters: Uncertain significance (2). Last evaluated 2022-05-05.

Conditions:
Kleefstra syndrome 1 (KLEFS1). Identifiers: Orphanet 261494, MedGen C0795833, MONDO:0027407, OMIM 610253.

Submissions (2):

Molecular Genetics, Royal Melbourne Hospital
Classification: Uncertain significance for Kleefstra syndrome 1. Last evaluated: 2022-05-05. Review status: criteria provided, single submitter. Criteria: ACMG Guidelines, 2015. Collection method: clinical testing. Allele origin: germline.
Comment: This sequence change is a deletion of 2 bp in exon 27 (of 27) of EHMT1 that is predicted to alter the amino acid sequence at position 1242 and extend the protein by 19 amino acids, p.(Tyr1242Trpfs*76). The role of the altered region of the protein and the effects of protein elongation is unknown. The variant is absent in a large population cohort (gnomAD v2.1 and v3.1), and has not been reported in the relevant medical literature and databases. The methylation signature in this individual does not resemble the methylation signature seen in Kleefstra syndrome (EpiSign, London Health Sciences Centre). Based on the classification scheme RMH Modified ACMG Guidelines v1.5.1, this variant is classified as a VARIANT OF UNCERTAIN SIGNIFICANCE. Following criteria are met: PVS1_Moderate, PM6, PM2_Supporting.

Victorian Clinical Genetics Services, Murdoch Childrens Research Institute
Classification: Uncertain significance for Kleefstra syndrome 1. Last evaluated: 2022-02-02. Review status: criteria provided, single submitter. Criteria: ACMG Guidelines, 2015. Collection method: clinical testing. Allele origin: germline. Inheritance: Autosomal dominant inheritance.
Comment: Based on the classification scheme VCGS_Germline_v1.3.4, this variant is classified as VUS-3A. Following criteria are met: 0102 - Loss of function is a known mechanism of disease in this gene and is associated with Kleefstra syndrome 1 (MIM#610253). (I) 0107 - This gene is associated with autosomal dominant disease. (I) 0208 - Variant is predicted to result in an elongated protein. (SP) 0251 - This variant is heterozygous. (I) 0301 - Variant is absent from gnomAD (both v2 and v3). (SP) 0601 - Variant is located in the well-established functional SET domain (NCBI), and the frameshift of the C-terminal will result in the substitution of multiple predicted active sites as well as amino acids involved in binding and catalytic activity (NCBI). In addition, this variant alters a region predicted to be involved in interaction with histone H3 (Uniprot). (SP) 0705 - No comparable elongation variants have previous evidence for pathogenicity. (I) 0807 - This variant has no previous evidence of pathogenicity. (I) 0905 - No published segregation evidence has been identified for this variant. (I) 1007 - No published functional evidence has been identified for this variant. (SP) Legend: (SP) - Supporting pathogenic, (I) - Information, (SB) - Supporting benign

NM_024757.5(EHMT1):c.3725_3726del (p.Tyr1242fs)

Gene: EHMT1 (euchromatic histone lysine methyltransferase 1; plus strand). Cytogenetic location: 9q34.3.
Variant type: Deletion.
Coding change: c.3725_3726del on transcript NM_024757.5 (MANE Select); coding-DNA positions 3725 to 3726, 2 bases deleted (AT; older notation c.3725_3726delAT).
Protein change: p.Tyr1242fs; shifts the reading frame from tyrosine 1242.
Molecular consequence: frameshift variant.
Genome position (GRCh38, 1-based): chr9:137,834,781-137,834,782, AT deleted; deleting any 2 consecutive bases within chr9:137,834,780-137,834,782 gives the same sequence; the c. name uses the placement nearest the transcript's 3' end. VCF-style (leftmost placement, unchanged base first): chr9-137834779-CTA-C. GRCh37 (hg19) VCF-style: chr9-140729231-CTA-C.
Other names: c.3704_3705del, p.Tyr1235fs (NM_001354263.2); c.3725_3726delAT (NM_024757.5); short protein forms Y1235fs, Y1242fs.
Identifiers: ClinVar variation 1805016 (VCV001805016.2), dbSNP rs2539004736, ClinGen allele CA1139770974.
Genomic context (GRCh38, chr9:137,834,779, plus strand): 5'-GTGGGAGGTGCCGGTGGGATTCGACTTGGAGCCTTGGTTCTGTTCCCTCCCCAGGTTTGA[CTA>C]TGGAGAGCGCTTCTGGGACATCAAAGGCAAGCTCTTCAGCTGCCGCTGCGGCTCCCCCAA-3'